The following is an entry in ClinVar:

NM_006261.5(PROP1):c.534G>A (p.Gln178=)

Gene: PROP1 (PROP paired-like homeobox 1; minus strand). Cytogenetic location: 5q35.3.
Variant type: single nucleotide variant.
Coding change: c.534G>A on transcript NM_006261.5 (MANE Select); coding-DNA position 534, G replaced by A.
Protein change: p.Gln178=; no amino-acid change (glutamine 178 retained).
Molecular consequence: synonymous variant.
Genome position (GRCh38, 1-based): chr5:177,992,856, C>T on the plus strand (G>A on the coding strand, the complement: PROP1 is on the minus strand). VCF-style: chr5-177992856-C-T. GRCh37 (hg19) VCF-style: chr5-177419857-C-T.
Identifiers: ClinVar variation 732957 (VCV000732957.17), dbSNP rs73807328, ClinGen allele CA3587508.

ClinVar aggregate classification (germline): Conflicting classifications of pathogenicity. Review status: criteria provided, conflicting classifications (1 of 4 stars). 4 submissions from 4 submitters: Uncertain significance (1); Benign (2). 1 of the submissions does not count toward it. Last evaluated 2026-02-02.

Conditions:
Pituitary hormone deficiency, combined, 2. Also called: HANHART DWARFISM; PROP1-Related Combined Pituitary Hormone Deficiency; PITUITARY DWARFISM III; ATELIOTIC DWARFISM WITH HYPOGONADISM. Identifiers: MedGen C0878683, MONDO:0009878, OMIM 262600.

Allele frequency attached by ClinVar (database versions not stated): gnomAD exomes 0.00019 and 0.00046; ExAC 0.00066; 1000 Genomes Project 0.00180; gnomAD 0.00181 and 0.00184; TOPMed 0.00198; 1000 Genomes Project 30x 0.00234; ESP Exome Variant Server 0.00277.
gnomAD v4.1: 560 of 1,612,612 alleles (0.035%); highest among the groups gnomAD compares: African/African-American, 0.63%; 6 homozygotes.

Submissions (4):

Labcorp Genetics (formerly Invitae), Labcorp
Classification: Benign. Last evaluated: 2026-02-02. Review status: criteria provided, single submitter. Criteria: Invitae Variant Classification Sherloc (09022015). Collection method: clinical testing. Allele origin: germline.

Women's Health and Genetics/Laboratory Corporation of America, LabCorp
Classification: Benign. Last evaluated: 2024-09-03. Review status: criteria provided, single submitter. Criteria: LabCorp Variant Classification Summary - May 2015. Collection method: clinical testing. Allele origin: germline.
Comment: Variant summary: PROP1 c.534G>A alters a non-conserved nucleotide resulting in a synonymous change. Several computational tools predict a significant impact on normal splicing: Four predict the variant abolishes a cryptic 3' acceptor site. One predict the variant creates a 3' acceptor site. Two predict the variant strengthens a cryptic 3' acceptor site. However, these predictions have yet to be confirmed by functional studies. The variant allele was found at a frequency of 0.00046 in 250362 control chromosomes, predominantly at a frequency of 0.0064 within the African or African-American subpopulation in the gnomAD database. The observed variant frequency within African or African-American control individuals in the gnomAD database is approximately 1.54 fold of the estimated maximal expected allele frequency for a pathogenic variant in PROP1 causing Combined Pituitary Hormone Deficiency phenotype (0.0041). To our knowledge, no occurrence of c.534G>A in individuals affected with Combined Pituitary Hormone Deficiency and no experimental evidence demonstrating its impact on protein function have been reported. ClinVar contains an entry for this variant (Variation ID: 732957). Based on the evidence outlined above, the variant was classified as benign.

Illumina Laboratory Services, Illumina
Classification: Uncertain significance for Pituitary hormone deficiency, combined, 2. Last evaluated: 2018-01-13. Review status: criteria provided, single submitter. Criteria: ICSL Variant Classification Criteria 13 December 2019. Collection method: clinical testing. Allele origin: germline.

Natera, Inc.
Classification: Uncertain significance for Combined pituitary hormone deficiency type 2. Last evaluated: 2019-11-11. Review status: no assertion criteria provided. Collection method: clinical testing. Allele origin: germline. Not counted in ClinVar's aggregate classification.